The following is an entry in ClinVar:

ClinVar aggregate classification (germline): Uncertain significance. Review status: criteria provided, multiple submitters, no conflicts (2 of 4 stars). 3 submissions from 3 submitters: Uncertain significance (3). Last evaluated 2026-02-02.

Conditions:
Singleton-Merten syndrome 1 (SGMRT1). Also called: Widened medullary cavities of bone, aortic calcification, abnormal dentition, and muscular weakness; Syndrome of widened medullary cavities of the metacarpals and phalanges, aortic calcification and abnormal dentition. Identifiers: Orphanet 85191, MedGen C4225427, MONDO:0024535, OMIM 182250.
Aicardi-Goutieres syndrome 7 (AGS7). Identifiers: Orphanet 51, MedGen C3888244, MONDO:0014367, OMIM 615846.
Immunodeficiency 95 (IMD95). Identifiers: MedGen C5676929, MONDO:0030692, OMIM 619773.

gnomAD v4.1: 4 of 1,613,968 alleles (0.00025%); highest among the groups gnomAD compares: Non-Finnish European, 0.00034%; no homozygotes.

Submissions (3):

Women's Health and Genetics/Laboratory Corporation of America, LabCorp
Classification: Uncertain significance. Last evaluated: 2026-02-02. Review status: criteria provided, single submitter. Criteria: LabCorp Variant Classification Summary - May 2015. Collection method: clinical testing. Allele origin: germline.
Comment: Variant summary: IFIH1 c.2873G>A (p.Gly958Asp) results in a non-conservative amino acid change in the encoded protein sequence. Algorithms developed to predict the effect of missense changes on protein structure and function are either unavailable or do not agree on the potential impact of this missense change. The variant was absent in 251406 control chromosomes. The available data on variant occurrences in the general population are insufficient to allow any conclusion about variant significance. To our knowledge, no occurrence of c.2873G>A in individuals affected with IFIH1-related conditions and no experimental evidence demonstrating its impact on protein function have been reported. ClinVar contains an entry for this variant (Variation ID: 3584540). Based on the evidence outlined above, the variant was classified as uncertain significance.

Labcorp Genetics (formerly Invitae), Labcorp
Classification: Uncertain significance for Aicardi-Goutieres syndrome 7; Singleton-Merten syndrome 1. Last evaluated: 2025-09-07. Review status: criteria provided, single submitter. Criteria: Invitae Variant Classification Sherloc (09022015). Collection method: clinical testing. Allele origin: germline.
Comment: This sequence change replaces glycine, which is neutral and non-polar, with aspartic acid, which is acidic and polar, at codon 958 of the IFIH1 protein (p.Gly958Asp). This variant is not present in population databases (gnomAD no frequency). This variant has not been reported in the literature in individuals affected with IFIH1-related conditions. ClinVar contains an entry for this variant (Variation ID: 3584540). Invitae Evidence Modeling of protein sequence and biophysical properties (such as structural, functional, and spatial information, amino acid conservation, physicochemical variation, residue mobility, and thermodynamic stability) has been performed for this missense variant. However, the output from this modeling did not meet the statistical confidence thresholds required to predict the impact of this variant on IFIH1 protein function. In summary, the available evidence is currently insufficient to determine the role of this variant in disease. Therefore, it has been classified as a Variant of Uncertain Significance.

Fulgent Genetics
Classification: Uncertain significance for Singleton-Merten syndrome 1; Aicardi-Goutieres syndrome 7; Immunodeficiency 95. Last evaluated: 2024-05-06. Review status: criteria provided, single submitter. Criteria: ACMG Guidelines, 2015. Collection method: clinical testing. Allele origin: germline.

NM_022168.4(IFIH1):c.2873G>A (p.Gly958Asp)

Gene: IFIH1 (interferon induced with helicase C domain 1; minus strand). Cytogenetic location: 2q24.2.
Variant type: single nucleotide variant.
Coding change: c.2873G>A on transcript NM_022168.4 (MANE Select); coding-DNA position 2873, G replaced by A.
Protein change: p.Gly958Asp; replaces glycine 958 with aspartic acid.
Molecular consequence: missense variant.
Genome position (GRCh38, 1-based): chr2:162,267,504, C>T on the plus strand (G>A on the coding strand, the complement: IFIH1 is on the minus strand). VCF-style: chr2-162267504-C-T. GRCh37 (hg19) VCF-style: chr2-163124014-C-T.
Other names: short protein forms G958D.
Identifiers: ClinVar variation 3584540 (VCV003584540.4).